The following is an entry in ClinVar:

ClinVar aggregate classification (germline): Uncertain significance. Review status: criteria provided, multiple submitters, no conflicts (2 of 4 stars). 2 submissions from 2 submitters: Uncertain significance (2). Last evaluated 2024-03-17.

gnomAD v4.1: 5 of 1,613,462 alleles (0.00031%); highest among the groups gnomAD compares: Non-Finnish European, 0.00042%; no homozygotes.

Submissions (2):

Blueprint Genetics
Classification: Uncertain significance. Last evaluated: 2024-03-17. Review status: criteria provided, single submitter. Criteria: ACMG Guidelines, 2015. Collection method: clinical testing. Allele origin: germline.

Labcorp Genetics (formerly Invitae), Labcorp
Classification: Uncertain significance. Last evaluated: 2023-12-05. Review status: criteria provided, single submitter. Criteria: Invitae Variant Classification Sherloc (09022015). Collection method: clinical testing. Allele origin: germline.
Comment: This sequence change replaces aspartic acid, which is acidic and polar, with asparagine, which is neutral and polar, at codon 1272 of the LRP5 protein (p.Asp1272Asn). This variant is not present in population databases (gnomAD no frequency). This variant has not been reported in the literature in individuals affected with LRP5-related conditions. ClinVar contains an entry for this variant (Variation ID: 1961592). Advanced modeling of protein sequence and biophysical properties (such as structural, functional, and spatial information, amino acid conservation, physicochemical variation, residue mobility, and thermodynamic stability) has been performed at Invitae for this missense variant, however the output from this modeling did not meet the statistical confidence thresholds required to predict the impact of this variant on LRP5 protein function. In summary, the available evidence is currently insufficient to determine the role of this variant in disease. Therefore, it has been classified as a Variant of Uncertain Significance.

NM_002335.4(LRP5):c.3814G>A (p.Asp1272Asn)

Gene: LRP5 (LDL receptor related protein 5; plus strand). Cytogenetic location: 11q13.2.
Variant type: single nucleotide variant.
Coding change: c.3814G>A on transcript NM_002335.4 (MANE Select); coding-DNA position 3814, G replaced by A.
Protein change: p.Asp1272Asn; replaces aspartic acid 1272 with asparagine.
Molecular consequence: missense variant.
Genome position (GRCh38, 1-based): chr11:68,433,652, G>A. VCF-style: chr11-68433652-G-A. GRCh37 (hg19) VCF-style: chr11-68201120-G-A.
Other names: c.2071G>A, p.Asp691Asn (NM_001291902.2); short protein forms D1272N, D691N.
Identifiers: ClinVar variation 1961592 (VCV001961592.6), dbSNP rs763407700, ClinGen allele CA224250786.